The following is an entry in ClinVar:

NM_004560.4(ROR2):c.1399_1400insT (p.Glu467fs)

Gene: ROR2 (receptor tyrosine kinase like orphan receptor 2; minus strand). Cytogenetic location: 9q22.31.
Variant type: Insertion.
Coding change: c.1399_1400insT on transcript NM_004560.4 (MANE Select); coding-DNA positions 1399 to 1400, T inserted.
Protein change: p.Glu467fs; shifts the reading frame from glutamic acid 467.
Molecular consequence: frameshift variant.
Genome position: GRCh38 VCF-style: chr9-91725094-T-TA. GRCh37 (hg19) VCF-style: chr9-94487376-T-TA.
Other names: short protein forms E467fs.
Identifiers: ClinVar variation 1458244 (VCV001458244.6), dbSNP rs2118629582, ClinGen allele CA2573144759.

ClinVar aggregate classification (germline): Pathogenic (1 of 4 stars; one submission).

Submission:

Labcorp Genetics (formerly Invitae), Labcorp
Classification: Pathogenic. Last evaluated: 2022-11-22. Review status: criteria provided, single submitter. Criteria: Invitae Variant Classification Sherloc (09022015). Collection method: clinical testing. Allele origin: germline.
Comment: For these reasons, this variant has been classified as Pathogenic. This variant disrupts a region of the ROR2 protein in which other variant(s) (p.Trp720*) have been determined to be pathogenic (PMID: 10932187). This suggests that this is a clinically significant region of the protein, and that variants that disrupt it are likely to be disease-causing. ClinVar contains an entry for this variant (Variation ID: 1458244). This variant has not been reported in the literature in individuals affected with ROR2-related conditions. This variant is not present in population databases (gnomAD no frequency). This sequence change creates a premature translational stop signal (p.Glu467Valfs*58) in the ROR2 gene. While this is not anticipated to result in nonsense mediated decay, it is expected to disrupt the last 477 amino acid(s) of the ROR2 protein.

Literature cited by the submitters: PubMed 10932187.